The following is an entry in ClinVar:

NM_000258.3(MYL3):c.517A>G (p.Met173Val)

Gene: MYL3 (myosin light chain 3; minus strand). Cytogenetic location: 3p21.31.
Variant type: single nucleotide variant.
Coding change: c.517A>G on transcript NM_000258.3 (MANE Select); coding-DNA position 517, A replaced by G.
Protein change: p.Met173Val; replaces methionine 173 with valine.
Molecular consequence: missense variant.
Genome position (GRCh38, 1-based): chr3:46,858,426, T>C on the plus strand (A>G on the coding strand, the complement: MYL3 is on the minus strand). VCF-style: chr3-46858426-T-C. GRCh37 (hg19) VCF-style: chr3-46899916-T-C.
Other names: p.M173V:ATG>GTG; short protein forms M173V.
Identifiers: ClinVar variation 31779 (VCV000031779.27), dbSNP rs199474708, ClinGen allele CA013986.

ClinVar aggregate classification (germline): Uncertain significance. Review status: criteria provided, multiple submitters, no conflicts (2 of 4 stars). 11 submissions from 11 submitters: Uncertain significance (10). 1 of the submissions does not count toward it. Last evaluated 2026-08-06.

Conditions:
Cardiovascular phenotype. Identifiers: MedGen CN230736.
Cardiomyopathy (CMYO). Also called: Cardiomyopathies. Identifiers: Orphanet 167848, MedGen C0878544, MONDO:0004994, HP:0001638. Inheritance: Various modes of inheritance.
Hypertrophic cardiomyopathy 8. Also called: MYL3-Related Familial Hypertrophic Cardiomyopathy; CARDIOMYOPATHY, HYPERTROPHIC, MID-LEFT VENTRICULAR CHAMBER TYPE, 1. Identifiers: MedGen C1837471, MONDO:0012111, OMIM 608751.
Hypertrophic cardiomyopathy. Also called: HYPERTROPHIC MYOCARDIOPATHY. Identifiers: Orphanet 217569, MedGen C0007194, MeSH D002312, MONDO:0005045, HP:0001639.

Allele frequency attached by ClinVar (database versions not stated): gnomAD exomes below 0.00001 and 0.00001; gnomAD 0.00001; TOPMed 0.00002.

Submissions (11):

OLLIN Analises Genomicas, OLLIN
Classification: Uncertain significance for Hypertrophic cardiomyopathy 8. Last evaluated: 2026-08-06. Review status: criteria provided, single submitter. Criteria: ACMG Guidelines 2015 PMID 25741868. Collection method: clinical testing. Allele origin: germline.
Comment: This missense variant, located in exon 5 (of 7), has been reported in ClinVar (accession VCV000031779.25) and in gnomAD with an allele frequency of 0.00093%. However, to our knowledge, it has not been reported in the scientific literature. In silico analysis is inconclusive regarding the impact of this variant. Another pathogenic variant affecting the same amino acid residue has been reported. According to the currently available evidence, this variant has been classified as uncertain significance (PS4, PM5_P).

All of Us Research Program, National Institutes of Health
Classification: Uncertain significance for Hypertrophic cardiomyopathy. Last evaluated: 2024-07-20. Review status: criteria provided, single submitter. Criteria: ACMG Guidelines, 2015. Collection method: clinical testing. Allele origin: germline. Inheritance: Autosomal dominant inheritance. Observed: 9 variant alleles, 9 heterozygotes.
Comment: This missense variant replaces methionine with valine at codon 173 of the MYL3 protein. Computational prediction is inconclusive regarding the impact of this variant on protein structure and function (internally defined REVEL score threshold 0.5 < inconclusive < 0.7, PMID: 27666373). An experimental functional study has shown that this variant may increase calcium sensitivity and affect function (PMID: 26385864). However, clinical significance of this finding is not clear. This variant has been reported in individuals affected with hypertrophic cardiomyopathy (PMID: 27532257, 33495596), in an individual affected with childhood-onset cardiac hypertrophy (PMID: 18403758), and in an individual affected with dilated cardiomyopathy (PMID: 33662488). This variant has been identified in 1/251116 chromosomes in the general population by the Genome Aggregation Database (gnomAD). The available evidence is insufficient to determine the role of this variant in disease conclusively. Therefore, this variant is classified as a Variant of Uncertain Significance.

This study involves interpretation of variants in research participants for the purpose of population health screening. Participant phenotype was not available at the time of variant classification. Additional details can be found in publication PMID: 35346344, PMCID: PMC8962531

Color Diagnostics, LLC DBA Color Health
Classification: Uncertain significance for Cardiomyopathy. Last evaluated: 2024-05-29. Review status: criteria provided, single submitter. Criteria: ACMG Guidelines, 2015. Collection method: clinical testing. Allele origin: germline.
Comment: This missense variant replaces methionine with valine at codon 173 of the MYL3 protein. Computational prediction tools indicate that this variant's impact on protein structure and function is inconclusive. An experimental functional study has shown that this variant may increase calcium sensitivity and affect function (PMID: 26385864). However, clinical significance of this finding is not clear. This variant has been reported in two individuals affected with hypertrophic cardiomyopathy (PMID: 27532257, 33495596), in one individual affected with childhood-onset cardiac hypertrophy (PMID: 18403758), and in one individual affected with dilated cardiomyopathy (PMID: 33662488). This variant has been identified in 1/251116 chromosomes in the general population by the Genome Aggregation Database (gnomAD). The available evidence is insufficient to determine the role of this variant in disease conclusively. Therefore, this variant is classified as a Variant of Uncertain Significance.

Labcorp Genetics (formerly Invitae), Labcorp
Classification: Uncertain significance for Hypertrophic cardiomyopathy. Last evaluated: 2024-01-15. Review status: criteria provided, single submitter. Criteria: Invitae Variant Classification Sherloc (09022015). Collection method: clinical testing. Allele origin: germline.
Comment: This sequence change replaces methionine, which is neutral and non-polar, with valine, which is neutral and non-polar, at codon 173 of the MYL3 protein (p.Met173Val). This variant is present in population databases (rs199474708, gnomAD 0.0009%). This missense change has been observed in individual(s) with dilated cardiomyopathy and/or hypertrophic cardiomyopathy (PMID: 18403758, 27532257, 33662488). ClinVar contains an entry for this variant (Variation ID: 31779). An algorithm developed to predict the effect of missense changes on protein structure and function (PolyPhen-2) suggests that this variant is likely to be disruptive. Experimental studies have shown that this missense change affects MYL3 function (PMID: 26385864). In summary, the available evidence is currently insufficient to determine the role of this variant in disease. Therefore, it has been classified as a Variant of Uncertain Significance.

Women's Health and Genetics/Laboratory Corporation of America, LabCorp
Classification: Uncertain significance. Last evaluated: 2024-01-08. Review status: criteria provided, single submitter. Criteria: LabCorp Variant Classification Summary - May 2015. Collection method: clinical testing. Allele origin: germline.
Comment: Variant summary: MYL3 c.517A>G (p.Met173Val) results in a conservative amino acid change located in the EF-hand domain (IPR002048) of the encoded protein sequence. Four of five in-silico tools predict a benign effect of the variant on protein function. The variant allele was found at a frequency of 4e-06 in 251116 control chromosomes (gnomAD). The available data on variant occurrences in the general population are insufficient to allow any conclusion about variant significance. c.517A>G has been reported in the literature in individuals affected with dilated cardiomyopathy and/or hypertrophic cardiomyopathy (examples: Morita_2008, Walsh_2017,Ho_2018, Lamounier_2022, Alimohamed_2021). These report(s) do not provide unequivocal conclusions about association of the variant with Hypertrophic Cardiomyopathy. At least one publication reports experimental evidence evaluating an impact on protein function, however, does not allow convincing conclusions about the variant effect (Huang_2015). The following publications have been ascertained in the context of this evaluation (PMID: 33662488, 30297972, 26385864, 33642254, 18403758, 27532257). ClinVar contains an entry for this variant (Variation ID: 31779). Based on the evidence outlined above, the variant was classified as uncertain significance.

Blueprint Genetics
Classification: Uncertain significance. Last evaluated: 2023-09-04. Review status: criteria provided, single submitter. Criteria: ACMG Guidelines, 2015. Collection method: clinical testing. Allele origin: germline.

GeneDx
Classification: Uncertain significance. Last evaluated: 2022-09-13. Review status: criteria provided, single submitter. Criteria: GeneDx Variant Classification Process June 2021. Collection method: clinical testing. Allele origin: germline. Affected: yes.
Comment: Not observed at significant frequency in large population cohorts (gnomAD); In silico analysis supports that this missense variant does not alter protein structure/function; This variant is associated with the following publications: (PMID: 26385864, 27532257, 28301460, 18403758, 33662488, 26582918)

Fulgent Genetics
Classification: Uncertain significance for Hypertrophic cardiomyopathy 8. Last evaluated: 2021-10-19. Review status: criteria provided, single submitter. Criteria: ACMG Guidelines, 2015. Collection method: clinical testing. Allele origin: unknown.

Ambry Genetics
Classification: Uncertain significance for Cardiovascular phenotype. Last evaluated: 2021-09-29. Review status: criteria provided, single submitter. Criteria: Ambry Variant Classification Scheme 2023. Collection method: clinical testing. Allele origin: germline.

Laboratory for Molecular Medicine, Mass General Brigham Personalized Medicine
Classification: Uncertain significance. Last evaluated: 2012-09-24. Review status: criteria provided, single submitter. Criteria: LMM Criteria. Collection method: clinical testing. Allele origin: germline. Observed: 4 variant alleles.
Comment: Variant classified as Uncertain Significance - Favor Pathogenic. The Met173Val v ariant (MYL3) has been reported in the literature in one individual with early o nset HCM, segregated with disease in two affected relatives (including one oblig ate carrier), and was absent from 1360 control chromosomes (Morita 2008, LMM dat a). This variant has not been identified in large and broad European American an d African American populations by the NHLBI Exome Sequencing Project (.); this low frequency is consistent with a disease causing role but insufficient to establish this with confidence. Methionine (Met) at po sition 173 is highly conserved in mammals, however computational analyses (bioch emical amino acid properties, AlignGVGD, PolyPhen2, and SIFT) do not provide str ong support for or against an impact to the normal function of the protein. Addi tional studies are needed to fully assess the clinical significance of this vari ant.

Leiden Muscular Dystrophy (MYL3)
No classification provided. Last evaluated: 2012-03-18. Review status: no classification provided. Collection method: curation. Allele origin: germline. Not counted in ClinVar's aggregate classification.

Literature cited by the submitters: PubMed 18403758 (cited by 5 submitters); PubMed 26385864 (cited by 4 submitters); PubMed 27532257 (cited by 4 submitters); PubMed 33495596 (cited by All of Us Research Program, National Institutes of Health and Color Diagnostics, LLC DBA Color Health); PubMed 33662488 (cited by 4 submitters); PubMed 30297972 (cited by Women's Health and Genetics/Laboratory Corporation of America, LabCorp); PubMed 33642254 (cited by Women's Health and Genetics/Laboratory Corporation of America, LabCorp).